The following is an entry in ClinVar:

ClinVar aggregate classification (germline): Likely benign. Review status: criteria provided, multiple submitters, no conflicts (2 of 4 stars). 4 submissions from 3 submitters: Likely benign (3). 1 of the submissions does not count toward it. Last evaluated 2018-01-13.

Conditions:
Histiocytic medullary reticulosis. Also called: SEVERE COMBINED IMMUNODEFICIENCY WITH HYPEREOSINOPHILIA; Omenn syndrome. Identifiers: Orphanet 39041, MedGen C2700553, MONDO:0011338, OMIM 603554.
Severe combined immunodeficiency, autosomal recessive, T cell-negative, B cell-negative, NK cell-positive. Also called: SCID, T CELL-NEGATIVE, B CELL-NEGATIVE, NK CELL-POSITIVE; SCID, AR, T-cell negative, B-cell negative, NK cell-positive; Severe combined immunodeficiency due to complete RAG1/2 deficiency. Identifiers: Orphanet 331206, MedGen C1832322, MONDO:0011086, OMIM 601457.
RAG2-related disorder. Also called: RAG2-related condition.

Allele frequency attached by ClinVar (database versions not stated): gnomAD exomes 0.00043; 1000 Genomes Project 0.00060; gnomAD 0.00073 and 0.00076; 1000 Genomes Project 30x 0.00078; TOPMed 0.00096.

Submissions (4):

Illumina Laboratory Services, Illumina
Classification: Likely benign for Histiocytic medullary reticulosis. Last evaluated: 2018-01-13. Review status: criteria provided, single submitter. Criteria: ICSL Variant Classification Criteria 13 December 2019. Collection method: clinical testing. Allele origin: germline.
Comment: This variant was observed in the ICSL laboratory as part of a predisposition screen in an ostensibly healthy population. It had not been previously curated by ICSL or reported in the Human Gene Mutation Database (HGMD: prior to June 1st, 2018), and was therefore a candidate for classification through an automated scoring system. Utilizing variant allele frequency, disease prevalence and penetrance estimates, and inheritance mode, an automated score was calculated to assess if this variant is too frequent to cause the disease. Based on the score and internal cut-off values, a variant classified as likely benign is not then subjected to further curation. The score for this variant resulted in a classification of likely benign for this disease.

Illumina Laboratory Services, Illumina
Classification: Likely benign for Severe combined immunodeficiency, autosomal recessive, T cell-negative, B cell-negative, NK cell-positive. Last evaluated: 2018-01-13. Review status: criteria provided, single submitter. Criteria: ICSL Variant Classification Criteria 13 December 2019. Collection method: clinical testing. Allele origin: germline.
Comment: the same text as in the submission from Illumina Laboratory Services, Illumina above.

GeneDx
Classification: Likely benign. Last evaluated: 2016-06-13. Review status: criteria provided, single submitter. Criteria: GeneDx Variant Classification (06012015). Collection method: clinical testing. Allele origin: germline. Affected: yes.
Comment: This variant is considered likely benign or benign based on one or more of the following criteria: it is a conservative change, it occurs at a poorly conserved position in the protein, it is predicted to be benign by multiple in silico algorithms, and/or has population frequency not consistent with disease.

PreventionGenetics, part of Exact Sciences
Classification: Likely benign for RAG2-related condition. Last evaluated: 2023-01-09. Review status: no assertion criteria provided. Collection method: clinical testing. Allele origin: germline. Not counted in ClinVar's aggregate classification.
Comment: This variant is classified as likely benign based on ACMG/AMP sequence variant interpretation guidelines (Richards et al. 2015 PMID: 25741868, with internal and published modifications).

NM_000536.4(RAG2):c.*52T>A

Gene: RAG2 (recombination activating 2; minus strand). Cytogenetic location: 11p12.
Variant type: single nucleotide variant.
Coding change: c.*52T>A on transcript NM_000536.4 (MANE Select); 52 bases downstream of the stop codon, T replaced by A.
Molecular consequence: 3 prime UTR variant.
Genome position (GRCh38, 1-based): chr11:36,592,533, A>T on the plus strand (T>A on the coding strand, the complement: RAG2 is on the minus strand). VCF-style: chr11-36592533-A-T. GRCh37 (hg19) VCF-style: chr11-36614083-A-T.
Other names: c.*52T>A (NM_001243785.2, NM_001243786.2).
Identifiers: ClinVar variation 304549 (VCV000304549.7), dbSNP rs546979744, ClinGen allele CA10639027.